The following is an entry in ClinVar:

NM_152617.4(RNF168):c.444G>T (p.Arg148Ser)

Gene: RNF168 (ring finger protein 168; minus strand). Cytogenetic location: 3q29.
Variant type: single nucleotide variant.
Coding change: c.444G>T on transcript NM_152617.4 (MANE Select); coding-DNA position 444, G replaced by T.
Protein change: p.Arg148Ser; replaces arginine 148 with serine.
Molecular consequence: missense variant.
Genome position (GRCh38, 1-based): chr3:196,487,513, C>A on the plus strand (G>T on the coding strand, the complement: RNF168 is on the minus strand). VCF-style: chr3-196487513-C-A. GRCh37 (hg19) VCF-style: chr3-196214384-C-A.
Other names: c.444G>T (NM_152617.3); short protein forms R148S.
Identifiers: ClinVar variation 1496831 (VCV001496831.6), dbSNP rs754402844, ClinGen allele CA2780932.

ClinVar aggregate classification (germline): Uncertain significance. Review status: criteria provided, multiple submitters, no conflicts (2 of 4 stars). 2 submissions from 2 submitters: Uncertain significance (2). Last evaluated 2022-11-08.

Conditions:
Inborn genetic diseases. Identifiers: MedGen C0950123, MeSH D030342.

Allele frequency attached by ClinVar (database versions not stated): gnomAD 0.00003 and 0.00004; gnomAD exomes 0.00005 and 0.00009; TOPMed 0.00005; ExAC 0.00010.
gnomAD v4.1: 77 of 1,614,032 alleles (0.0048%); highest among the groups gnomAD compares: Admixed American, 0.02%; no homozygotes.

Submissions (2):

Ambry Genetics
Classification: Uncertain significance for Inborn genetic diseases. Last evaluated: 2022-11-08. Review status: criteria provided, single submitter. Criteria: Ambry Variant Classification Scheme 2023. Collection method: clinical testing. Allele origin: germline.

Labcorp Genetics (formerly Invitae), Labcorp
Classification: Uncertain significance. Last evaluated: 2021-09-01. Review status: criteria provided, single submitter. Criteria: Invitae Variant Classification Sherloc (09022015). Collection method: clinical testing. Allele origin: germline.
Comment: This sequence change replaces arginine with serine at codon 148 of the RNF168 protein (p.Arg148Ser). The arginine residue is moderately conserved and there is a moderate physicochemical difference between arginine and serine. This variant is present in population databases (rs754402844, ExAC 0.05%). This variant has not been reported in the literature in individuals affected with RNF168-related conditions. Algorithms developed to predict the effect of missense changes on protein structure and function are either unavailable or do not agree on the potential impact of this missense change (SIFT: "Deleterious"; PolyPhen-2: "Possibly Damaging"; Align-GVGD: "Class C0"). In summary, the available evidence is currently insufficient to determine the role of this variant in disease. Therefore, it has been classified as a Variant of Uncertain Significance.